The following is an entry in ClinVar:

ClinVar aggregate classification (germline): Uncertain significance (1 of 4 stars; one submission).

Submission:

Labcorp Genetics (formerly Invitae), Labcorp
Classification: Uncertain significance. Last evaluated: 2023-11-28. Review status: criteria provided, single submitter. Criteria: Invitae Variant Classification Sherloc (09022015). Collection method: clinical testing. Allele origin: germline.
Comment: This sequence change replaces cysteine, which is neutral and slightly polar, with serine, which is neutral and polar, at codon 686 of the C6 protein (p.Cys686Ser). This variant is not present in population databases (gnomAD no frequency). This variant has not been reported in the literature in individuals affected with C6-related conditions. An algorithm developed to predict the effect of missense changes on protein structure and function (PolyPhen-2) suggests that this variant is likely to be disruptive. In summary, the available evidence is currently insufficient to determine the role of this variant in disease. Therefore, it has been classified as a Variant of Uncertain Significance.

NM_000065.5(C6):c.2056T>A (p.Cys686Ser)

Gene: C6 (complement C6; minus strand). Cytogenetic location: 5p13.1.
Variant type: single nucleotide variant.
Coding change: c.2056T>A on transcript NM_000065.5 (MANE Select); coding-DNA position 2056, T replaced by A.
Protein change: p.Cys686Ser; replaces cysteine 686 with serine.
Molecular consequence: missense variant.
Genome position (GRCh38, 1-based): chr5:41,155,017, A>T on the plus strand (T>A on the coding strand, the complement: C6 is on the minus strand). VCF-style: chr5-41155017-A-T. GRCh37 (hg19) VCF-style: chr5-41155119-A-T.
Other names: c.2056T>A, p.Cys686Ser (NM_001115131.4); short protein forms C686S.
Identifiers: ClinVar variation 1466226 (VCV001466226.8), dbSNP rs2150247789, ClinGen allele CA359595672.